The following is an entry in ClinVar:

ClinVar aggregate classification (germline): Uncertain significance (1 of 4 stars; one submission).

Conditions:
POLD1-related polyposis and colorectal cancer syndrome (CRCS10). Also called: Colorectal cancer 10; COLORECTAL CANCER, SUSCEPTIBILITY TO, ON CHROMOSOME 19q; Colorectal cancer, susceptibility to, 10. Identifiers: Orphanet 220460, MedGen C2675481, MONDO:0012953, OMIM 612591.

Submission:

Labcorp Genetics (formerly Invitae), Labcorp
Classification: Uncertain significance for POLD1-related polyposis and colorectal cancer syndrome. Last evaluated: 2022-07-10. Review status: criteria provided, single submitter. Criteria: Invitae Variant Classification Sherloc (09022015). Collection method: clinical testing. Allele origin: germline.
Comment: In summary, the available evidence is currently insufficient to determine the role of this variant in disease. Therefore, it has been classified as a Variant of Uncertain Significance. Algorithms developed to predict the effect of sequence changes on RNA splicing suggest that this variant may create or strengthen a splice site. This variant has not been reported in the literature in individuals affected with POLD1-related conditions. This variant is not present in population databases (gnomAD no frequency). This sequence change falls in intron 26 of the POLD1 gene. It does not directly change the encoded amino acid sequence of the POLD1 protein.

NM_002691.4(POLD1):c.3219-5C>G

Gene: POLD1 (DNA polymerase delta 1, catalytic subunit; plus strand). Cytogenetic location: 19q13.33.
Variant type: single nucleotide variant.
Coding change: c.3219-5C>G on transcript NM_002691.4 (MANE Select); 5 bases into the intron before coding-DNA position 3219, C replaced by G.
Molecular consequence: intron variant.
Genome position (GRCh38, 1-based): chr19:50,417,837, C>G. VCF-style: chr19-50417837-C-G. GRCh37 (hg19) VCF-style: chr19-50921094-C-G.
Other names: c.3219-5C>G (NM_001256849.1); c.3297-5C>G (NM_001308632.1).
Identifiers: ClinVar variation 2002974 (VCV002002974.4), dbSNP rs748304578, ClinGen allele CA2580097930.
Genomic context (GRCh38, chr19:50,417,837, plus strand): 5'-CCCCTCTCCCAGGCTGGGCACTGGGCCTTGGCTGGTCCTGACCCTGCCCCTGCCCCCACC[C>G]GCAGCCGGGACTGCCCCATCTTCTACATGCGCAAGAAGGTGCGGAAGGACCTGGAAGACC-3'